The following is an entry in ClinVar:

NM_000350.3(ABCA4):c.1760+2T>C

Gene: ABCA4 (ATP binding cassette subfamily A member 4; minus strand). Cytogenetic location: 1p22.1.
Variant type: single nucleotide variant.
Coding change: c.1760+2T>C on transcript NM_000350.3 (MANE Select); the canonical splice donor site of the intron after coding-DNA position 1760, T replaced by C.
Molecular consequence: splice donor variant.
Genome position (GRCh38, 1-based): chr1:94,063,110, A>G on the plus strand (T>C on the coding strand, the complement: ABCA4 is on the minus strand). VCF-style: chr1-94063110-A-G. GRCh37 (hg19) VCF-style: chr1-94528666-A-G.
Identifiers: ClinVar variation 2907286 (VCV002907286.5), dbSNP rs61751385, ClinGen allele CA341279852.

ClinVar aggregate classification (germline): Pathogenic. Review status: criteria provided, multiple submitters, no conflicts (2 of 4 stars). 2 submissions from 2 submitters: Pathogenic (2). Last evaluated 2026-05-01.

Submissions (2):

CeGaT Center for Human Genetics Tuebingen
Classification: Pathogenic. Last evaluated: 2026-05-01. Review status: criteria provided, single submitter. Criteria: CeGaT Center For Human Genetics Tuebingen Variant Classification Criteria Version 2. Collection method: clinical testing. Allele origin: germline. Affected: yes. Observed: 1 variant allele.
Comment: ABCA4: PVS1, PM3:Strong, PM2, PS1:Supporting

Labcorp Genetics (formerly Invitae), Labcorp
Classification: Pathogenic. Last evaluated: 2023-03-04. Review status: criteria provided, single submitter. Criteria: Invitae Variant Classification Sherloc (09022015). Collection method: clinical testing. Allele origin: germline.
Comment: For these reasons, this variant has been classified as Pathogenic. Algorithms developed to predict the effect of sequence changes on RNA splicing suggest that this variant may disrupt the consensus splice site. Disruption of this splice site has been observed in individual(s) with clinical features of Stargardt disease (PMID: 30670881, 34073554). This variant is not present in population databases (gnomAD no frequency). This sequence change affects a donor splice site in intron 12 of the ABCA4 gene. It is expected to disrupt RNA splicing. Variants that disrupt the donor or acceptor splice site typically lead to a loss of protein function (PMID: 16199547), and loss-of-function variants in ABCA4 are known to be pathogenic (PMID: 10958761, 24938718, 25312043, 26780318).

Literature cited by the submitters: PubMed 30670881 (cited by Labcorp Genetics (formerly Invitae), Labcorp); PubMed 34073554 (cited by Labcorp Genetics (formerly Invitae), Labcorp); PubMed 16199547 (cited by Labcorp Genetics (formerly Invitae), Labcorp); PubMed 10958761 (cited by Labcorp Genetics (formerly Invitae), Labcorp); PubMed 24938718 (cited by Labcorp Genetics (formerly Invitae), Labcorp); PubMed 25312043 (cited by Labcorp Genetics (formerly Invitae), Labcorp); PubMed 26780318 (cited by Labcorp Genetics (formerly Invitae), Labcorp).